The following is an entry in ClinVar:

NM_005245.4(FAT1):c.3597G>A (p.Thr1199=)

Gene: FAT1 (FAT atypical cadherin 1; minus strand). Cytogenetic location: 4q35.2.
Variant type: single nucleotide variant.
Coding change: c.3597G>A on transcript NM_005245.4 (MANE Select); coding-DNA position 3597, G replaced by A.
Protein change: p.Thr1199=; no amino-acid change (threonine 1199 retained).
Molecular consequence: synonymous variant.
Genome position (GRCh38, 1-based): chr4:186,639,767, C>T on the plus strand (G>A on the coding strand, the complement: FAT1 is on the minus strand). VCF-style: chr4-186639767-C-T. GRCh37 (hg19) VCF-style: chr4-187560921-C-T.
Identifiers: ClinVar variation 730153 (VCV000730153.29), dbSNP rs115460650, ClinGen allele CA3166972.

ClinVar aggregate classification (germline): Benign/Likely benign. Review status: criteria provided, multiple submitters, no conflicts (2 of 4 stars). 4 submissions from 4 submitters: Benign (1); Likely benign (3). Last evaluated 2026-01-25.

Allele frequency attached by ClinVar (database versions not stated): gnomAD exomes 0.00157 and 0.00201; ExAC 0.00203; 1000 Genomes Project 0.00300; 1000 Genomes Project 30x 0.00359; gnomAD 0.00461 and 0.00494; TOPMed 0.00478; ESP Exome Variant Server 0.00511.
gnomAD v4.1: 2,993 of 1,612,682 alleles (0.19%); highest among the groups gnomAD compares: African/African-American, 1.2%; 10 homozygotes.

Submissions (4):

Labcorp Genetics (formerly Invitae), Labcorp
Classification: Benign. Last evaluated: 2026-01-25. Review status: criteria provided, single submitter. Criteria: Invitae Variant Classification Sherloc (09022015). Collection method: clinical testing. Allele origin: germline.

CeGaT Center for Human Genetics Tuebingen
Classification: Likely benign. Last evaluated: 2024-08-01. Review status: criteria provided, single submitter. Criteria: CeGaT Center For Human Genetics Tuebingen Variant Classification Criteria Version 2. Collection method: clinical testing. Allele origin: germline. Affected: yes. Observed: 1 variant allele.
Comment: FAT1: BP4, BP7, BS1

GeneDx
Classification: Likely benign. Last evaluated: 2020-07-24. Review status: criteria provided, single submitter. Criteria: GeneDx Variant Classification Process June 2021. Collection method: clinical testing. Allele origin: germline. Affected: yes.

Breakthrough Genomics
Classification: Likely benign. Review status: criteria provided, single submitter. Criteria: ACMG Guidelines, 2015. Collection method: not provided. Allele origin: germline. Inheritance: Unknown mechanism. Affected: yes.